The following is an entry in ClinVar:

NM_000047.3(ARSL):c.139G>A (p.Asp47Asn)

Gene: ARSL (arylsulfatase L; minus strand). Cytogenetic location: Xp22.33.
Variant type: single nucleotide variant.
Coding change: c.139G>A on transcript NM_000047.3 (MANE Select); coding-DNA position 139, G replaced by A.
Protein change: p.Asp47Asn; replaces aspartic acid 47 with asparagine.
Molecular consequence: missense variant. On other transcripts: intron variant (1).
Genome position (GRCh38, 1-based): chrX:2,958,320, C>T on the plus strand (G>A on the coding strand, the complement: ARSL is on the minus strand). VCF-style: chrX-2958320-C-T. GRCh37 (hg19) VCF-style: chrX-2876361-C-T.
Other names: c.214G>A, p.Asp72Asn (NM_001282628.2, NM_001369080.1); c.166G>A, p.Asp56Asn (NM_001369079.1); c.23+2058G>A (NM_001282631.2); short protein forms D56N, D72N, D47N.
Identifiers: ClinVar variation 2138470 (VCV002138470.4), dbSNP rs2518385019, ClinGen allele CA412268298.

ClinVar aggregate classification (germline): Uncertain significance (1 of 4 stars; one submission).

Conditions:
Chondrodysplasia punctata, brachytelephalangic, autosomal. Also called: BRACHYTELEPHALANGIC CHONDRODYSPLASIA PUNCTATA. Identifiers: MedGen C1844853, MONDO:0011238, OMIM 602497.

Submission:

Labcorp Genetics (formerly Invitae), Labcorp
Classification: Uncertain significance for Chondrodysplasia punctata, brachytelephalangic, autosomal. Last evaluated: 2023-08-10. Review status: criteria provided, single submitter. Criteria: Invitae Variant Classification Sherloc (09022015). Collection method: clinical testing. Allele origin: germline.
Comment: In summary, the available evidence is currently insufficient to determine the role of this variant in disease. Therefore, it has been classified as a Variant of Uncertain Significance. Experimental studies have shown that this missense change affects ARSE function (PMID: 23470839). Advanced modeling of protein sequence and biophysical properties (such as structural, functional, and spatial information, amino acid conservation, physicochemical variation, residue mobility, and thermodynamic stability) has been performed at Invitae for this missense variant, however the output from this modeling did not meet the statistical confidence thresholds required to predict the impact of this variant on ARSE protein function. ClinVar contains an entry for this variant (Variation ID: 2138470). This missense change has been observed in individuals with chondrodysplasia punctata (PMID: 23470839; Invitae). This variant is not present in population databases (gnomAD no frequency). This sequence change replaces aspartic acid, which is acidic and polar, with asparagine, which is neutral and polar, at codon 47 of the ARSE protein (p.Asp47Asn).

Literature cited by the submitters: PubMed 23470839.